The following is an entry in ClinVar:

NC_000004.11:g.(?_129960176)_(129965226_?)del

Gene: SCLT1 (sodium channel and clathrin linker 1; minus strand). Cytogenetic location: 4q28.2.
Variant type: Deletion.
Identifiers: ClinVar variation 1387937 (VCV001387937.4).

ClinVar aggregate classification (germline): Pathogenic (1 of 4 stars; one submission).

Submission:

Labcorp Genetics (formerly Invitae), Labcorp
Classification: Pathogenic. Last evaluated: 2021-08-29. Review status: criteria provided, single submitter. Criteria: Invitae Variant Classification Sherloc (09022015). Collection method: clinical testing. Allele origin: germline.
Comment: For these reasons, this variant has been classified as Pathogenic. This variant has not been reported in the literature in individuals affected with SCLT1-related conditions. This variant is a gross deletion of the genomic region encompassing exon(s) 3-5 of the SCLT1 gene. This deletion is out-of-frame, and is expected to create a premature termination codon and result in an absent or disrupted protein product. Loss-of-function variants in SCLT1 are known to be pathogenic (PMID: 28005958).

Literature cited by the submitters: PubMed 28005958.